The following is an entry in ClinVar:

ClinVar aggregate classification (germline): Uncertain significance (1 of 4 stars; one submission).

Conditions:
Familial thoracic aortic aneurysm and aortic dissection (TAAD). Also called: Thoracic aortic aneurysms and dissections. Identifiers: Orphanet 91387, MedGen C4707243, MONDO:0019625.

gnomAD v4.1: 1 of 1,614,066 alleles (0.000062%); highest among the groups gnomAD compares: Non-Finnish European, 0.000085%; no homozygotes.

Submission:

Color Diagnostics, LLC DBA Color Health
Classification: Uncertain significance for Familial thoracic aortic aneurysm and aortic dissection. Last evaluated: 2024-11-18. Review status: criteria provided, single submitter. Criteria: ACMG Guidelines, 2015. Collection method: clinical testing. Allele origin: germline.
Comment: This missense variant replaces glutamic acid with lysine at codon 1866 of the MYH11 protein. Computational prediction suggests that this variant may have deleterious impact on protein structure and function. To our knowledge, functional studies have not been reported for this variant. This variant has not been reported in individuals affected with MYH11-related disorders in the literature. This variant has not been identified in the general population by the Genome Aggregation Database (gnomAD). The available evidence is insufficient to determine the role of this variant in disease conclusively. Therefore, this variant is classified as a Variant of Uncertain Significance.

NM_002474.3(MYH11):c.5575G>A (p.Glu1859Lys)

Genes: NDE1 (nudE neurodevelopment protein 1; plus strand), MYH11 (myosin heavy chain 11; minus strand). Cytogenetic location: 16p13.11.
Variant type: single nucleotide variant.
Coding change: c.5575G>A on transcript NM_002474.3 (MANE Select); coding-DNA position 5575, G replaced by A.
Protein change: p.Glu1859Lys; replaces glutamic acid 1859 with lysine.
Molecular consequence: missense variant. On other transcripts: intron variant (2).
Genome position (GRCh38, 1-based): chr16:15,715,202, C>T on the plus strand (G>A on the coding strand, the complement: MYH11 is on the minus strand). VCF-style: chr16-15715202-C-T. GRCh37 (hg19) VCF-style: chr16-15809059-C-T.
Other names: c.5596G>A, p.Glu1866Lys (NM_001040113.2, NM_001040114.2); c.5575G>A, p.Glu1859Lys (NM_022844.3); c.948-8989C>T (NM_001143979.2, NM_017668.3); short protein forms E1859K, E1866K.
Identifiers: ClinVar variation 3893830 (VCV003893830.1).